The following is an entry in ClinVar:

ClinVar aggregate classification (germline): Uncertain significance. Review status: criteria provided, multiple submitters, no conflicts (2 of 4 stars). 2 submissions from 2 submitters: Uncertain significance (2). Last evaluated 2025-05-24.

Conditions:
Inborn genetic diseases. Identifiers: MedGen C0950123, MeSH D030342.

Submissions (2):

Ambry Genetics
Classification: Uncertain significance for Inborn genetic diseases. Last evaluated: 2025-05-24. Review status: criteria provided, single submitter. Criteria: Ambry Variant Classification Scheme 2023. Collection method: clinical testing. Allele origin: germline.
Comment: The p.P797S variant (also known as c.2389C>T), located in coding exon 1 of the SAMD9L gene, results from a C to T substitution at nucleotide position 2389. The proline at codon 797 is replaced by serine, an amino acid with similar properties. This amino acid position is conserved. In addition, this alteration is predicted to be deleterious by in silico analysis. Based on the available evidence, the clinical significance of this variant remains unclear.

Labcorp Genetics (formerly Invitae), Labcorp
Classification: Uncertain significance. Last evaluated: 2022-08-16. Review status: criteria provided, single submitter. Criteria: Invitae Variant Classification Sherloc (09022015). Collection method: clinical testing. Allele origin: germline.
Comment: This variant has not been reported in the literature in individuals affected with SAMD9L-related conditions. This sequence change replaces proline, which is neutral and non-polar, with serine, which is neutral and polar, at codon 797 of the SAMD9L protein (p.Pro797Ser). This variant is not present in population databases (gnomAD no frequency). Algorithms developed to predict the effect of missense changes on protein structure and function are either unavailable or do not agree on the potential impact of this missense change (SIFT: "Not Available"; PolyPhen-2: "Possibly Damaging"; Align-GVGD: "Not Available"). In summary, the available evidence is currently insufficient to determine the role of this variant in disease. Therefore, it has been classified as a Variant of Uncertain Significance.

NM_152703.5(SAMD9L):c.2389C>T (p.Pro797Ser)

Gene: SAMD9L (sterile alpha motif domain containing 9 like; minus strand). Cytogenetic location: 7q21.2.
Variant type: single nucleotide variant.
Coding change: c.2389C>T on transcript NM_152703.5 (MANE Select); coding-DNA position 2389, C replaced by T.
Protein change: p.Pro797Ser; replaces proline 797 with serine.
Molecular consequence: missense variant.
Genome position (GRCh38, 1-based): chr7:93,133,583, G>A on the plus strand (C>T on the coding strand, the complement: SAMD9L is on the minus strand). VCF-style: chr7-93133583-G-A. GRCh37 (hg19) VCF-style: chr7-92762896-G-A.
Other names: c.2389C>T, p.Pro797Ser (NM_001303496.3, NM_001303497.3, NM_001303498.3 and 5 more transcripts); c.2389C>T (NM_152703.2); short protein forms P797S.
Identifiers: ClinVar variation 2117182 (VCV002117182.5), dbSNP rs1285443100, ClinGen allele CA368190791.